The following is an entry in ClinVar:

NM_000038.6(APC):c.5073T>C (p.Pro1691=)

Gene: APC (APC regulator of Wnt signaling pathway; plus strand). Cytogenetic location: 5q22.2.
Variant type: single nucleotide variant.
Coding change: c.5073T>C on transcript NM_000038.6 (MANE Select); coding-DNA position 5073, T replaced by C.
Protein change: p.Pro1691=; no amino-acid change (proline 1691 retained).
Molecular consequence: synonymous variant. On other transcripts: non-coding transcript variant (2).
Genome position (GRCh38, 1-based): chr5:112,840,667, T>C. VCF-style: chr5-112840667-T-C. GRCh37 (hg19) VCF-style: chr5-112176364-T-C.
Other names: c.5073T>C, p.Pro1691= (NM_001127510.3, NM_001354895.2, NM_001407450.1); c.5019T>C, p.Pro1673= (NM_001127511.3); c.5127T>C, p.Pro1709= (NM_001354896.2, NM_001407447.1, NM_001407448.1 and 1 more transcripts); c.5103T>C, p.Pro1701= (NM_001354897.2); c.4998T>C, p.Pro1666= (NM_001354898.2); c.4989T>C, p.Pro1663= (NM_001354899.2); c.4950T>C, p.Pro1650= (NM_001354900.2); c.4896T>C, p.Pro1632= (NM_001354901.2, NM_001407453.1); and 11 more.
Identifiers: ClinVar variation 3148073 (VCV003148073.1), dbSNP rs2149931310, ClinGen allele CA446209556.

ClinVar aggregate classification (germline): Benign (1 of 4 stars; one submission).

Conditions:
Familial adenomatous polyposis 1 (FAP1). Also called: POLYPOSIS, ADENOMATOUS INTESTINAL; FAMILIAL ADENOMATOUS POLYPOSIS 1, ATTENUATED. Identifiers: MedGen C2713442, MONDO:0021056, OMIM 175100. Disease mechanism: loss of function.

Allele frequency attached by ClinVar (database versions not stated): gnomAD exomes below 0.00001.
gnomAD v4.1: 1 of 1,613,986 alleles (0.000062%); highest among the groups gnomAD compares: South Asian, 0.0011%; no homozygotes.

Submission:

Myriad Genetics, Inc.
Classification: Benign for Familial adenomatous polyposis 1. Last evaluated: 2024-03-28. Review status: criteria provided, single submitter. Criteria: Myriad Autosomal Dominant, Autosomal Recessive and X-Linked Classification Criteria (2023). Collection method: clinical testing. Allele origin: unknown.
Comment: This variant is considered benign. This variant is a silent/synonymous amino acid change and it is not expected to impact splicing.